The following is an entry in ClinVar:

NM_000268.4(NF2):c.222G>T (p.Trp74Cys)

Gene: NF2 (NF2, moesin-ezrin-radixin like (MERLIN) tumor suppressor; plus strand). Cytogenetic location: 22q12.2.
Variant type: single nucleotide variant.
Coding change: c.222G>T on transcript NM_000268.4 (MANE Select); coding-DNA position 222, G replaced by T.
Protein change: p.Trp74Cys; replaces tryptophan 74 with cysteine.
Molecular consequence: missense variant. On other transcripts: non-coding transcript variant (1), intron variant (3).
Genome position (GRCh38, 1-based): chr22:29,636,858, G>T. VCF-style: chr22-29636858-G-T. GRCh37 (hg19) VCF-style: chr22-30032847-G-T.
Other names: c.222G>T, p.Trp74Cys (NM_016418.5, NM_181825.3, NM_181829.3 and 2 more transcripts); c.115-2232G>T (NM_181828.3); c.115-5344G>T (NM_181830.3, NM_181831.3); short protein forms W74C.
Identifiers: ClinVar variation 934288 (VCV000934288.10), dbSNP rs2065663095, ClinGen allele CA411152641.

ClinVar aggregate classification (germline): Uncertain significance (1 of 4 stars; one submission).

Conditions:
Neurofibromatosis, type 2 (SWNV). Also called: BILATERAL ACOUSTIC NEUROFIBROMATOSIS; SCHWANNOMATOSIS, VESTIBULAR; NF2-Related Schwannomatosis. Identifiers: Orphanet 637, MedGen C0027832, MONDO:0007039, OMIM 101000. Disease mechanism: loss of function.

Submission:

Labcorp Genetics (formerly Invitae), Labcorp
Classification: Uncertain significance for Neurofibromatosis, type 2. Last evaluated: 2019-07-19. Review status: criteria provided, single submitter. Criteria: Invitae Variant Classification Sherloc (09022015). Collection method: clinical testing. Allele origin: germline.
Comment: This sequence change replaces tryptophan with cysteine at codon 74 of the NF2 protein (p.Trp74Cys). The tryptophan residue is highly conserved and there is a large physicochemical difference between tryptophan and cysteine. This variant is not present in population databases (ExAC no frequency). This variant has not been reported in the literature in individuals with NF2-related conditions. Algorithms developed to predict the effect of missense changes on protein structure and function (SIFT, PolyPhen-2, Align-GVGD) all suggest that this variant is likely to be disruptive, but these predictions have not been confirmed by published functional studies and their clinical significance is uncertain. In summary, the available evidence is currently insufficient to determine the role of this variant in disease. Therefore, it has been classified as a Variant of Uncertain Significance.